The following is an entry in ClinVar:

ClinVar aggregate classification (germline): Conflicting classifications of pathogenicity. Review status: criteria provided, conflicting classifications (1 of 4 stars). 2 submissions from 2 submitters: Uncertain significance (1); Likely benign (1). Last evaluated 2024-11-07.

Conditions:
GREB1L-related disorder. Also called: GREB1L-related condition.

Allele frequency attached by ClinVar (database versions not stated): TOPMed 0.00002; gnomAD exomes 0.00004; gnomAD 0.00005.

Submissions (2):

PreventionGenetics, part of Exact Sciences
Classification: Likely benign for GREB1L-related condition. Last evaluated: 2024-11-07. Review status: criteria provided, single submitter. Criteria: ACMG Guidelines, 2015. Collection method: clinical testing. Allele origin: germline.
Comment: This variant is classified as likely benign based on ACMG/AMP sequence variant interpretation guidelines (Richards et al. 2015 PMID: 25741868, with internal and published modifications).

Labcorp Genetics (formerly Invitae), Labcorp
Classification: Uncertain significance. Last evaluated: 2024-10-22. Review status: criteria provided, single submitter. Criteria: Invitae Variant Classification Sherloc (09022015). Collection method: clinical testing. Allele origin: germline.
Comment: This sequence change affects codon 1357 of the GREB1L mRNA. It is a 'silent' change, meaning that it does not change the encoded amino acid sequence of the GREB1L protein. It affects a nucleotide within the consensus splice site. This variant is present in population databases (rs375284727, gnomAD 0.008%). This variant has not been reported in the literature in individuals affected with GREB1L-related conditions. ClinVar contains an entry for this variant (Variation ID: 2172048). Algorithms developed to predict the effect of sequence changes on RNA splicing suggest that this variant is not likely to affect RNA splicing. In summary, the available evidence is currently insufficient to determine the role of this variant in disease. Therefore, it has been classified as a Variant of Uncertain Significance.

NM_001142966.3(GREB1L):c.4071C>T (p.Thr1357=)

Gene: GREB1L (GREB1 like retinoic acid receptor coactivator; plus strand). Cytogenetic location: 18q11.2.
Variant type: single nucleotide variant.
Coding change: c.4071C>T on transcript NM_001142966.3 (MANE Select); coding-DNA position 4071, C replaced by T.
Protein change: p.Thr1357=; no amino-acid change (threonine 1357 retained).
Molecular consequence: synonymous variant.
Genome position (GRCh38, 1-based): chr18:21,500,641, C>T. VCF-style: chr18-21500641-C-T. GRCh37 (hg19) VCF-style: chr18-19080602-C-T.
Other names: c.4200C>T, p.Thr1400= (NM_001410867.1); c.3744C>T, p.Thr1248= (NM_001410868.1); c.4071C>T (NM_001142966.1).
Identifiers: ClinVar variation 2172048 (VCV002172048.5), dbSNP rs375284727, ClinGen allele CA296945221.